The following is an entry in ClinVar:

ClinVar aggregate classification (germline): Uncertain significance. Review status: criteria provided, multiple submitters, no conflicts (2 of 4 stars). 3 submissions from 3 submitters: Uncertain significance (3). Last evaluated 2024-05-14.

Conditions:
Hereditary cancer-predisposing syndrome. Also called: Neoplastic Syndromes, Hereditary; Hereditary Cancer Syndrome; Hereditary neoplastic syndrome; Tumor predisposition. Identifiers: Orphanet 140162, MedGen C0027672, MeSH D009386, MONDO:0015356.
Familial cancer of breast. Also called: hereditary breast carcinoma; BREAST CANCER, FAMILIAL; Hereditary breast cancer. Identifiers: Orphanet 227535, MedGen C0346153, MONDO:0016419, OMIM 114480. Disease mechanism: loss of function.
Ataxia-telangiectasia syndrome (AT). Also called: Ataxia-telangiectasia, complementation group E; Cerebello-oculocutaneous telangiectasia; Immunodeficiency with ataxia telangiectasia; Ataxia-telangiectasia, complementation group D; AT, COMPLEMENTATION GROUP C; Ataxia-telangiectasia. Identifiers: Orphanet 100, MedGen C0004135, MONDO:0008840, OMIM 208900.

Submissions (3):

KCCC/NGS Laboratory, Kuwait Cancer Control Center
Classification: Uncertain significance for Familial cancer of breast. Last evaluated: 2024-05-14. Review status: criteria provided, single submitter. Criteria: ACMG Guidelines, 2015. Collection method: clinical testing. Allele origin: germline. Inheritance: Autosomal dominant inheritance. Affected: yes. Observed: 1 heterozygote.
Comment: This sequence change replaces arginine, which is basic and polar, with glycine, which is neutral and non-polar, at codon 521 of the ATM protein (p.Arg521Gly).This amino acid position is conserved( PhyloP=4.61). This variant is not present in population databases (gnomAD no frequency). This variant has not been reported in the literature in individuals affected with ATM-related conditions. ClinVar contains an entry for this variant (Variation ID: 854009). In addition, the in silico prediction for this alteration is inconclusive. In summary, the available evidence is currently insufficient to determine the role of this variant in disease. Therefore, it has been classified as a Variant of Uncertain Significance.

Ambry Genetics
Classification: Uncertain significance for Hereditary cancer-predisposing syndrome. Last evaluated: 2024-02-05. Review status: criteria provided, single submitter. Criteria: Ambry Variant Classification Scheme 2023. Collection method: clinical testing. Allele origin: germline.
Comment: The p.R521G variant (also known as c.1561A>G), located in coding exon 9 of the ATM gene, results from an A to G substitution at nucleotide position 1561. The arginine at codon 521 is replaced by glycine, an amino acid with dissimilar properties. This amino acid position is conserved. In addition, the in silico prediction for this alteration is inconclusive. Based on the available evidence, the clinical significance of this alteration remains unclear.

Labcorp Genetics (formerly Invitae), Labcorp
Classification: Uncertain significance for Ataxia-telangiectasia syndrome. Last evaluated: 2022-07-12. Review status: criteria provided, single submitter. Criteria: Invitae Variant Classification Sherloc (09022015). Collection method: clinical testing. Allele origin: germline.
Comment: In summary, the available evidence is currently insufficient to determine the role of this variant in disease. Therefore, it has been classified as a Variant of Uncertain Significance. Advanced modeling of protein sequence and biophysical properties (such as structural, functional, and spatial information, amino acid conservation, physicochemical variation, residue mobility, and thermodynamic stability) performed at Invitae indicates that this missense variant is not expected to disrupt ATM protein function. ClinVar contains an entry for this variant (Variation ID: 854009). This variant has not been reported in the literature in individuals affected with ATM-related conditions. This variant is not present in population databases (gnomAD no frequency). This sequence change replaces arginine, which is basic and polar, with glycine, which is neutral and non-polar, at codon 521 of the ATM protein (p.Arg521Gly).

NM_000051.4(ATM):c.1561A>G (p.Arg521Gly)

Gene: ATM (ATM serine/threonine kinase; plus strand). Cytogenetic location: 11q22.3.
Variant type: single nucleotide variant.
Coding change: c.1561A>G on transcript NM_000051.4 (MANE Select); coding-DNA position 1561, A replaced by G.
Protein change: p.Arg521Gly; replaces arginine 521 with glycine.
Molecular consequence: missense variant.
Genome position (GRCh38, 1-based): chr11:108,251,026, A>G. VCF-style: chr11-108251026-A-G. GRCh37 (hg19) VCF-style: chr11-108121753-A-G.
Other names: c.1561A>G, p.Arg521Gly (NM_001351834.2); short protein forms R521G.
Identifiers: ClinVar variation 854009 (VCV000854009.12), dbSNP rs2080118357, ClinGen allele CA382534357.